The following is an entry in ClinVar:

ClinVar aggregate classification (germline): Likely pathogenic. Review status: criteria provided, multiple submitters, no conflicts (2 of 4 stars). 2 submissions from 2 submitters: Likely pathogenic (2). Last evaluated 2021-12-12.

Conditions:
Neurofibromatosis, type 1 (NF1). Also called: Peripheral type neurofibromatosis; VON RECKLINGHAUSEN DISEASE; NEUROFIBROMATOSIS, TYPE I, SOMATIC; Neurofibromatosis, type I. Identifiers: Orphanet 636, MedGen C0027831, MONDO:0018975, OMIM 162200. Disease mechanism: loss of function.

Submissions (2):

Labcorp Genetics (formerly Invitae), Labcorp
Classification: Likely pathogenic for Neurofibromatosis, type 1. Last evaluated: 2021-12-12. Review status: criteria provided, single submitter. Criteria: Invitae Variant Classification Sherloc (09022015). Collection method: clinical testing. Allele origin: germline.
Comment: This variant has been observed in individual(s) with neurofibromatosis type 1 (PMID: 31507634). This sequence change falls in intron 49 of the NF1 gene. It does not directly change the encoded amino acid sequence of the NF1 protein. This variant is not present in population databases (gnomAD no frequency). ClinVar contains an entry for this variant (Variation ID: 586981). Studies have shown that this variant is associated with altered splicing, but the impact on the resulting protein product is unknown (PMID: 31507634, 34439939). In summary, the currently available evidence indicates that the variant is pathogenic, but additional data are needed to prove that conclusively. Therefore, this variant has been classified as Likely Pathogenic.

Department of Molecular Diagnostics, Institute of Oncology Ljubljana
Classification: Likely pathogenic for Neurofibromatosis, type 1. Last evaluated: 2018-10-04. Review status: criteria provided, single submitter. Criteria: ACMG Guidelines, 2015. Collection method: clinical testing. Allele origin: germline. Inheritance: Autosomal dominant inheritance. Affected: yes. Observed: 1 heterozygote.
Comment: The variants is predicted to create a de novo acceptor splice site in intron 50 by in silico splicing tools. Functional RNA study has shown that the variant causes major splicing aberration - retention of 16 intronic nucleotides, causing frameshift and introduction of premature stop codon at the amino acid residue 2465 (PMID: 31507634, 34439939). Therefore the variant was classified as likely pathogenic (ACMG/AMP: PS3, PM2, PP3, and PP1 supporting).

Literature cited by the submitters: PubMed 31507634 (cited by Labcorp Genetics (formerly Invitae), Labcorp); PubMed 34439939 (cited by Labcorp Genetics (formerly Invitae), Labcorp); DOI 10.3389/fgene.2019.00762 (cited by Department of Molecular Diagnostics, Institute of Oncology Ljubljana).

NM_001042492.3(NF1):c.7458-17T>G

Gene: NF1 (neurofibromin 1; plus strand). Cytogenetic location: 17q11.2.
Variant type: single nucleotide variant.
Coding change: c.7458-17T>G on transcript NM_001042492.3 (MANE Select); 17 bases into the intron before coding-DNA position 7458, T replaced by G.
Molecular consequence: intron variant.
Genome position (GRCh38, 1-based): chr17:31,352,240, T>G. VCF-style: chr17-31352240-T-G. GRCh37 (hg19) VCF-style: chr17-29679258-T-G.
Other names: c.7395-17T>G (NM_000267.4).
Identifiers: ClinVar variation 586981 (VCV000586981.12), dbSNP rs766585105, ClinGen allele CA913191000.